The following is an entry in ClinVar:

ClinVar aggregate classification (germline): Uncertain significance (1 of 4 stars; one submission).

Conditions:
Hereditary cancer-predisposing syndrome. Also called: Tumor predisposition; Hereditary neoplastic syndrome; Neoplastic Syndromes, Hereditary; Hereditary Cancer Syndrome. Identifiers: Orphanet 140162, MedGen C0027672, MeSH D009386, MONDO:0015356.

Submission:

Ambry Genetics
Classification: Uncertain significance for Hereditary cancer-predisposing syndrome. Last evaluated: 2025-04-11. Review status: criteria provided, single submitter. Criteria: Ambry Variant Classification Scheme 2023. Collection method: clinical testing. Allele origin: germline.
Comment: The p.P1035S variant (also known as c.3103C>T), located in coding exon 19 of the DICER1 gene, results from a C to T substitution at nucleotide position 3103. The proline at codon 1035 is replaced by serine, an amino acid with similar properties. This amino acid position is conserved. In addition, this alteration is predicted to be deleterious by in silico analysis. Based on the available evidence, the clinical significance of this variant remains unclear.

NM_177438.3(DICER1):c.3103C>T (p.Pro1035Ser)

Gene: DICER1 (dicer 1, ribonuclease III; minus strand). Cytogenetic location: 14q32.13.
Variant type: single nucleotide variant.
Coding change: c.3103C>T on transcript NM_177438.3 (MANE Select); coding-DNA position 3103, C replaced by T.
Protein change: p.Pro1035Ser; replaces proline 1035 with serine.
Molecular consequence: missense variant. On other transcripts: non-coding transcript variant (6).
Genome position (GRCh38, 1-based): chr14:95,105,237, G>A on the plus strand (C>T on the coding strand, the complement: DICER1 is on the minus strand). VCF-style: chr14-95105237-G-A. GRCh37 (hg19) VCF-style: chr14-95571574-G-A.
Other names: c.3103C>T, p.Pro1035Ser (NM_001195573.1, NM_001271282.3, NM_001291628.2 and 12 more transcripts); c.2821C>T, p.Pro941Ser (NM_001395686.1); c.2698C>T, p.Pro900Ser (NM_001395687.1, NM_001395688.1, NM_001395689.1 and 2 more transcripts); c.2536C>T, p.Pro846Ser (NM_001395691.1); c.1420C>T, p.Pro474Ser (NM_001395697.1); short protein forms P1035S, P846S, P900S, P941S, P474S.
Identifiers: ClinVar variation 4011629 (VCV004011629.1).